The following is an entry in ClinVar:

ClinVar aggregate classification (germline): Conflicting classifications of pathogenicity. Review status: criteria provided, conflicting classifications (1 of 4 stars). 6 submissions from 6 submitters: Uncertain significance (1); Likely benign (5). Last evaluated 2025-12-23.

Conditions:
Familial medullary thyroid carcinoma (MTC). Also called: Familial Medullary Thyroid Carcinoma (FMTC); Thyroid cancer, familial medullary; MTC, familial. Identifiers: Orphanet 653, Orphanet 99361, MedGen C1833921, MONDO:0007958, OMIM 155240.
Pheochromocytoma. Also called: MAX-Related Hereditary Paraganglioma-Pheochromocytoma Syndrome. Identifiers: Orphanet 29072, MedGen C0031511, MONDO:0008233, OMIM 171300, HP:0002666.
Multiple endocrine neoplasia type 2A. Also called: Multiple Endocrine Neoplasia Type 2A (MEN2A); MULTIPLE ENDOCRINE NEOPLASIA, TYPE IIA; PTC SYNDROME; SIPPLE SYNDROME; MEN 2A; MEN-2A syndrome. Identifiers: Orphanet 247698, Orphanet 653, MedGen C0025268, MeSH D018813, MONDO:0008234, OMIM 171400.
Hirschsprung disease, susceptibility to, 1 (HSCR1). Also called: RET-Related Hirschsprung Disease. Identifiers: Orphanet 388, MedGen C3888239, MONDO:0007723, OMIM 142623.
Multiple endocrine neoplasia type 2B. Also called: WAGENMANN-FROBOESE SYNDROME; MULTIPLE ENDOCRINE NEOPLASIA, TYPE III; MUCOSAL NEUROMA SYNDROME; Multiple Endocrine Neoplasia Type 2B (MEN2B); Multiple endocrine neoplasia, type 3; MULTIPLE ENDOCRINE NEOPLASIA, TYPE IIB. Identifiers: Orphanet 247709, Orphanet 653, MedGen C0025269, MeSH D018814, MONDO:0008082, OMIM 162300.
RET-related disorder. Also called: RET-related disorders; RET-related condition; RET-related disease.
Hereditary cancer-predisposing syndrome. Also called: Hereditary Cancer Syndrome; Hereditary neoplastic syndrome; Tumor predisposition; Neoplastic Syndromes, Hereditary. Identifiers: Orphanet 140162, MedGen C0027672, MeSH D009386, MONDO:0015356.
Multiple endocrine neoplasia, type 2 (MEN2). Identifiers: Orphanet 653, MedGen C4048306, MONDO:0019003. Disease mechanism: gain of function.

Allele frequency attached by ClinVar (database versions not stated): TOPMed 0.00002.
gnomAD v4.1: 10 of 1,509,608 alleles (0.00066%); highest among the groups gnomAD compares: East Asian, 0.0052%; no homozygotes.

Submissions (6):

Labcorp Genetics (formerly Invitae), Labcorp
Classification: Likely benign for Multiple endocrine neoplasia, type 2. Last evaluated: 2025-12-23. Review status: criteria provided, single submitter. Criteria: Invitae Variant Classification Sherloc (09022015). Collection method: clinical testing. Allele origin: germline.

PreventionGenetics, part of Exact Sciences
Classification: Likely benign for RET-related condition. Last evaluated: 2025-02-06. Review status: criteria provided, single submitter. Criteria: ACMG Guidelines, 2015. Collection method: clinical testing. Allele origin: germline.
Comment: This variant is classified as likely benign based on ACMG/AMP sequence variant interpretation guidelines (Richards et al. 2015 PMID: 25741868, with internal and published modifications).

GeneDx
Classification: Uncertain significance. Last evaluated: 2024-12-31. Review status: criteria provided, single submitter. Criteria: GeneDx Variant Classification Process June 2021. Collection method: clinical testing. Allele origin: germline. Affected: yes.
Comment: Not observed at significant frequency in large population cohorts (gnomAD); In silico analysis indicates that this variant does not alter splicing; Has not been previously published as pathogenic or benign to our knowledge

All of Us Research Program, National Institutes of Health
Classification: Likely benign for Multiple endocrine neoplasia, type 2. Last evaluated: 2023-12-07. Review status: criteria provided, single submitter. Criteria: ACMG Guidelines, 2015. Collection method: clinical testing. Allele origin: germline. Inheritance: Autosomal dominant inheritance. Observed: 5 variant alleles, 5 heterozygotes.
Comment: This study involves interpretation of variants in research participants for the purpose of population health screening. Participant phenotype was not available at the time of variant classification. Additional details can be found in publication PMID: 35346344, PMCID: PMC8962531

Fulgent Genetics
Classification: Likely benign for Hirschsprung disease, susceptibility to, 1; Familial medullary thyroid carcinoma; Multiple endocrine neoplasia type 2B; Pheochromocytoma; Multiple endocrine neoplasia type 2A. Last evaluated: 2022-04-29. Review status: criteria provided, single submitter. Criteria: ACMG Guidelines, 2015. Collection method: clinical testing. Allele origin: unknown.

Ambry Genetics
Classification: Likely benign for Hereditary cancer-predisposing syndrome. Last evaluated: 2022-02-23. Review status: criteria provided, single submitter. Criteria: Ambry Variant Classification Scheme 2023. Collection method: clinical testing. Allele origin: germline.

NM_020975.6(RET):c.31C>T (p.Leu11=)

Genes: RET (ret proto-oncogene; plus strand), LOC106736614 (RET 5' regulatory region; plus strand). Cytogenetic location: 10q11.21.
Variant type: single nucleotide variant.
Coding change: c.31C>T on transcript NM_020975.6 (MANE Select); coding-DNA position 31, C replaced by T.
Protein change: p.Leu11=; no amino-acid change (leucine 11 retained).
Molecular consequence: synonymous variant.
Genome position (GRCh38, 1-based): chr10:43,077,289, C>T. VCF-style: chr10-43077289-C-T. GRCh37 (hg19) VCF-style: chr10-43572737-C-T.
Other names: c.31C>T, p.Leu11= (NM_000323.2, NM_001406743.1, NM_001406744.1 and 38 more transcripts).
Identifiers: ClinVar variation 477368 (VCV000477368.19), dbSNP rs587780812, ClinGen allele CA469274883.
Genomic context (GRCh38, chr10:43,077,289, plus strand): 5'-CTCCAGCCGTGGCCCCAGCGCGCACGGGCGATGGCGAAGGCGACGTCCGGTGCCGCGGGG[C>T]TGCGTCTGCTGTTGCTGCTGCTGCTGCCGCTGCTAGGCAAAGGTGAGTTCTGCCGGCCGC-3'
Protein context (NP_066124.1, residues 1-21): MAKATSGAAG[Leu11=]RLLLLLLLPL